The following is an entry in ClinVar:

ClinVar aggregate classification (germline): Uncertain significance (1 of 4 stars; one submission).

Conditions:
Combined immunodeficiency due to ZAP70 deficiency (IMD48). Also called: Immunodeficiency 48; ZAP70 Deficiency. Identifiers: Orphanet 911, MedGen C2931299, MONDO:0010023, OMIM 269840.

Submission:

Labcorp Genetics (formerly Invitae), Labcorp
Classification: Uncertain significance for Combined immunodeficiency due to ZAP70 deficiency. Last evaluated: 2025-09-24. Review status: criteria provided, single submitter. Criteria: Invitae Variant Classification Sherloc (09022015). Collection method: clinical testing. Allele origin: germline.
Comment: This sequence change replaces aspartic acid, which is acidic and polar, with histidine, which is basic and polar, at codon 490 of the ZAP70 protein (p.Asp490His). This variant is not present in population databases (gnomAD no frequency). This variant has not been reported in the literature in individuals affected with ZAP70-related conditions. An algorithm developed to predict the effect of missense changes on protein structure and function (PolyPhen-2) suggests that this variant is likely to be disruptive. In summary, the available evidence is currently insufficient to determine the role of this variant in disease. Therefore, it has been classified as a Variant of Uncertain Significance.

NM_001079.4(ZAP70):c.1468G>C (p.Asp490His)

Gene: ZAP70 (zeta chain of T cell receptor associated protein kinase 70; plus strand). Cytogenetic location: 2q11.2.
Variant type: single nucleotide variant.
Coding change: c.1468G>C on transcript NM_001079.4 (MANE Select); coding-DNA position 1468, G replaced by C.
Protein change: p.Asp490His; replaces aspartic acid 490 with histidine.
Molecular consequence: missense variant.
Genome position (GRCh38, 1-based): chr2:97,737,651, G>C. VCF-style: chr2-97737651-G-C. GRCh37 (hg19) VCF-style: chr2-98354114-G-C.
Other names: c.1468G>C, p.Asp490His (NM_001378594.1); c.547G>C, p.Asp183His (NM_207519.2); short protein forms D490H, D183H.
Identifiers: ClinVar variation 4721358 (VCV004721358.1).
Genomic context (GRCh38, chr2:97,737,651, plus strand): 5'-GTTAACCGGCACTACGCCAAGATCAGCGACTTTGGCCTCTCCAAAGCACTGGGTGCCGAC[G>C]ACAGCTACTACACTGTAAGCCTCTGCCCCTGTGATGCCCGACTGGATGGGCTGGGTGGGT-3'
Protein context (NP_001070.2, residues 480-500): FGLSKALGAD[Asp490His]SYYTARSAGK